The following is an entry in ClinVar:

ClinVar aggregate classification (germline): Uncertain significance (1 of 4 stars; one submission).

gnomAD v4.1: 1 of 1,605,224 alleles (0.000062%); highest among the groups gnomAD compares: Non-Finnish European, 0.000085%; no homozygotes.

Submission:

Ambry Genetics
Classification: Uncertain significance. Last evaluated: 2026-08-05. Review status: criteria provided, single submitter. Criteria: Ambry Variant Classification Scheme 2023. Collection method: clinical testing. Allele origin: germline.
Comment: The p.K1264N variant (also known as c.3792G>C), located in coding exon 14 of the CDK12 gene, results from a G to C substitution at nucleotide position 3792. The lysine at codon 1264 is replaced by asparagine, an amino acid with similar properties. This amino acid position is conserved. In addition, this alteration is predicted to be tolerated by in silico analysis. Based on the available evidence, the clinical significance of this variant remains unclear.

NM_016507.4(CDK12):c.3792G>C (p.Lys1264Asn)

Gene: CDK12 (cyclin dependent kinase 12; plus strand). Cytogenetic location: 17q12.
Variant type: single nucleotide variant.
Coding change: c.3792G>C on transcript NM_016507.4 (MANE Select); coding-DNA position 3792, G replaced by C.
Protein change: p.Lys1264Asn; replaces lysine 1264 with asparagine.
Molecular consequence: missense variant.
Genome position (GRCh38, 1-based): chr17:39,530,635, G>C. VCF-style: chr17-39530635-G-C. GRCh37 (hg19) VCF-style: chr17-37686888-G-C.
Other names: c.3765G>C, p.Lys1255Asn (NM_015083.4); short protein forms K1255N, K1264N.
Identifiers: ClinVar variation 5034138 (VCV005034138.1).
Genomic context (GRCh38, chr17:39,530,635, plus strand): 5'-GGTGTTTAAAAGAAGTAACCCTTCCACAGCATGTCCTCCTCACATTCTTCCACCAGAGAA[G>C]AGGCCCCCTGAGCCCCCCGGACCTCCACCGCCGCCACCTCCACCCCCTCTGGTTGAAGGC-3'
Protein context (NP_057591.2, residues 1254-1274): ACPPHILPPE[Lys1264Asn]RPPEPPGPPP